The following is an entry in ClinVar:

ClinVar aggregate classification (germline): Likely benign. Review status: criteria provided, single submitter (1 of 4 stars). 2 submissions from 2 submitters: Likely benign (1). 1 of the submissions does not count toward it. Last evaluated 2023-01-31.

Conditions:
ACO2-related disorder. Also called: ACO2-Related Disorders.

Allele frequency attached by ClinVar (database versions not stated): ExAC 0.00001.
gnomAD v4.1: 7 of 1,609,420 alleles (0.00043%); highest among the groups gnomAD compares: Admixed American, 0.0017%; no homozygotes.

Submissions (2):

Labcorp Genetics (formerly Invitae), Labcorp
Classification: Likely benign. Last evaluated: 2023-01-31. Review status: criteria provided, single submitter. Criteria: Invitae Variant Classification Sherloc (09022015). Collection method: clinical testing. Allele origin: germline.

PreventionGenetics, part of Exact Sciences
Classification: Likely benign for ACO2-related condition. Last evaluated: 2021-07-13. Review status: no assertion criteria provided. Collection method: clinical testing. Allele origin: germline. Not counted in ClinVar's aggregate classification.
Comment: This variant is classified as likely benign based on ACMG/AMP sequence variant interpretation guidelines (Richards et al. 2015 PMID: 25741868, with internal and published modifications).

NM_001098.3(ACO2):c.2334G>C (p.Leu778=)

Genes: ACO2 (aconitase 2; plus strand), POLR3H (RNA polymerase III subunit H; minus strand). Cytogenetic location: 22q13.2.
Variant type: single nucleotide variant.
Coding change: c.2334G>C on transcript NM_001098.3 (MANE Select); coding-DNA position 2334, G replaced by C.
Protein change: p.Leu778=; no amino-acid change (leucine 778 retained).
Molecular consequence: synonymous variant. On other transcripts: 3 prime UTR variant (5).
Genome position (GRCh38, 1-based): chr22:41,528,604, G>C. VCF-style: chr22-41528604-G-C. GRCh37 (hg19) VCF-style: chr22-41924608-G-C.
Other names: c.*679C>G (NM_001018050.4, NM_001018052.4, NM_001282884.2 and 2 more transcripts).
Identifiers: ClinVar variation 2167611 (VCV002167611.6), dbSNP rs776056323, ClinGen allele CA10257970.